The following is an entry in ClinVar:

NM_006009.4(TUBA1A):c.236G>A (p.Arg79His)

Gene: TUBA1A (tubulin alpha 1a; minus strand). Cytogenetic location: 12q13.12.
Variant type: single nucleotide variant.
Coding change: c.236G>A on transcript NM_006009.4 (MANE Select); coding-DNA position 236, G replaced by A.
Protein change: p.Arg79His; replaces arginine 79 with histidine.
Molecular consequence: missense variant.
Genome position (GRCh38, 1-based): chr12:49,186,449, C>T on the plus strand (G>A on the coding strand, the complement: TUBA1A is on the minus strand). VCF-style: chr12-49186449-C-T. GRCh37 (hg19) VCF-style: chr12-49580232-C-T.
Other names: c.236G>A (NM_006009.2); c.236G>A, p.Arg79His (NM_001270399.2); c.131G>A, p.Arg44His (NM_001270400.2); short protein forms R44H, R79H.
Identifiers: ClinVar variation 1012610 (VCV001012610.44), dbSNP rs1942181364, ClinGen allele CA384643741.
Genomic context (GRCh38, chr12:49,186,449, plus strand): 5'-GCATCTTCTTTGCCTGTGATAAGTTGCTCAGGGTGGAAGAGCTGGCGGTAGGTGCCAGTG[C>T]GAACTTCATCTGGAGAACATGATGGGGGAGGAGCAGGGGGGAGGAGGAGGAGGGACGAGG-3'
Protein context (NP_006000.2, residues 69-89): DLEPTVIDEV[Arg79His]TGTYRQLFHP

ClinVar aggregate classification (germline): Conflicting classifications of pathogenicity. Review status: criteria provided, conflicting classifications (1 of 4 stars). 5 submissions from 5 submitters: Pathogenic (1); Likely pathogenic (3); Uncertain significance (1). Last evaluated 2026-08-27.

Conditions:
Lissencephaly due to TUBA1A mutation (CDCBM16). Also called: CORTICAL DYSPLASIA, COMPLEX, WITH OTHER BRAIN MALFORMATIONS 16; Lissencephaly 3. Identifiers: Orphanet 171680, MedGen C4305153, MONDO:0012703, OMIM 611603.

Submissions (5):

GeneDx
Classification: Pathogenic. Last evaluated: 2026-08-27. Review status: criteria provided, single submitter. Criteria: GeneDx Variant Classification Process June 2021. Collection method: clinical testing. Allele origin: germline.
Comment: Not observed at significant frequency in large population cohorts (gnomAD); Missense variants in this gene are often considered pathogenic (HGMD); In silico analysis supports that this missense variant has a deleterious effect on protein structure/function; Has not been previously published as pathogenic or benign to our knowledge

Laboratory of Genetics, Children's Clinical University Hospital Latvia
Classification: Likely pathogenic. Last evaluated: 2025-02-16. Review status: criteria provided, single submitter. Criteria: ACMG Guidelines, 2015. Collection method: clinical testing. Allele origin: germline. Affected: yes.

Institute of Human Genetics, University of Leipzig Medical Center
Classification: Likely pathogenic for Lissencephaly due to TUBA1A mutation. Last evaluated: 2023-07-12. Review status: criteria provided, single submitter. Criteria: ACMG Guidelines, 2015. Collection method: clinical testing. Allele origin: unknown. Inheritance: Autosomal dominant inheritance. Affected: yes.
Comment: Criteria applied: PS4_MOD,PM1,PM5,PM2_SUP,PP3

CeGaT Center for Human Genetics Tuebingen
Classification: Likely pathogenic. Last evaluated: 2022-04-01. Review status: criteria provided, single submitter. Criteria: CeGaT Center For Human Genetics Tuebingen Variant Classification Criteria Version 2. Collection method: clinical testing. Allele origin: germline. Affected: yes. Observed: 2 variant alleles.
Comment: TUBA1A: PM2, PS2:Moderate, PP2, PS4:Supporting

Blueprint Genetics
Classification: Uncertain significance. Last evaluated: 2019-09-06. Review status: criteria provided, single submitter. Criteria: ACMG Guidelines, 2015. Collection method: clinical testing. Allele origin: germline.